The following is an entry in ClinVar:

ClinVar aggregate classification (germline): Likely pathogenic (1 of 4 stars; one submission).

Conditions:
Propionic acidemia (PROP). Also called: GLYCINEMIA, KETOTIC; HYPERGLYCINEMIA WITH KETOACIDOSIS AND LEUKOPENIA; KETOTIC HYPERGLYCINEMIA. Identifiers: Orphanet 35, MedGen C0268579, MONDO:0011628, OMIM 606054, HP:0003571.

Submission:

Natera, Inc.
Classification: Likely pathogenic for Propionic acidemia. Last evaluated: 2024-08-17. Review status: criteria provided, single submitter. Criteria: Natera Variant Classification Schema (03/2026). Collection method: clinical testing. Allele origin: germline.
Comment: The c.503_505delAAG variant in PCCB is an in-frame deletion predicted to remove glutamic acid at amino acid 168 while preserving the reading frame. This variant is rare in the general population with a frequency below the threshold expected for the associated phenotype(s). This variant has been observed in one or more individuals affected with the associated recessive disease, as either homozygous or compound heterozygous with a second variant (PMID: 30274917). Functional studies show that this variant may disrupt protein function (PMID: 30274917). This variant results in a change to the protein length while preserving reading frame, which may disrupt normal protein structure or function. Computational prediction algorithms indicate this variant is likely to affect gene or protein function. Given the available evidence, this variant is classified as Likely Pathogenic.

Literature cited by the submitters: PubMed 30274917.

NM_000532.5(PCCB):c.500AAG[1] (p.Glu168del)

Gene: PCCB (propionyl-CoA carboxylase subunit beta; plus strand). Cytogenetic location: 3q22.3.
Variant type: Microsatellite.
Coding change: c.500AAG[1] on transcript NM_000532.5 (MANE Select); one copy of the 3-base unit AAG starting at c.500; the reference has two copies in a row; one copy, 3 bases deleted.
Protein change: p.Glu168del; deletes glutamic acid 168.
Molecular consequence: inframe deletion.
Genome position (GRCh38, 1-based): chr3:136,262,025-136,262,027, AAG deleted; deleting any 3 consecutive bases within chr3:136,262,022-136,262,027 gives the same sequence; the position shown is the placement nearest the transcript's 3' end. VCF-style (leftmost placement, unchanged base first): chr3-136262021-CAAG-C. GRCh37 (hg19) VCF-style: chr3-135980863-CAAG-C.
Other names: c.560AAG[1], p.Glu188del (NM_001178014.2); short protein forms E168del, E188del.
Identifiers: ClinVar variation 4814331 (VCV004814331.1).